The following is an entry in ClinVar:

ClinVar aggregate classification (germline): Uncertain significance (1 of 4 stars; one submission).

Conditions:
Inborn genetic diseases. Identifiers: MedGen C0950123, MeSH D030342.

Submission:

Ambry Genetics
Classification: Uncertain significance for Inborn genetic diseases. Last evaluated: 2025-08-20. Review status: criteria provided, single submitter. Criteria: Ambry Variant Classification Scheme 2023. Collection method: clinical testing. Allele origin: germline.
Comment: The c.378_381delGGCTinsCCCG variant (also known as p.A127P), located in coding exon 1 of the WT1 gene, results from an in-frame deletion of GGCT and insertion of CCCG at nucleotide positions 378 to 381. This results in the substitution of the alanine residue for a proline residue at codon 127, an amino acid with highly similar properties. This amino acid position is well conserved in available vertebrate species. In addition, this variant is predicted to be neutral by in silico analysis (Choi Y et al. PLoS ONE. 2012; 7(10):e46688). Based on the available evidence, the clinical significance of this variant remains unclear.

NM_024426.6(WT1):c.393_396delinsCCCG (p.Ala132Pro)

Genes: WT1 (WT1 transcription factor; minus strand), LOC107982234 (WT1/WT1-AS bi-directional promoter region; plus strand). Cytogenetic location: 11p13.
Variant type: Indel.
Coding change: c.393_396delinsCCCG on transcript NM_024426.6 (MANE Select); coding-DNA positions 393 to 396, GGCT replaced by CCCG.
Protein change: p.Ala132Pro; replaces alanine 132 with proline.
Molecular consequence: missense variant. On other transcripts: non-coding transcript variant (2).
Genome position (GRCh38, 1-based): chr11:32,434,965-32,434,968, AGCC replaced by CGGG on the plus strand (GGCT replaced by CCCG on the coding strand, the reverse complement: WT1 is on the minus strand). VCF-style: chr11-32434965-AGCC-CGGG. GRCh37 (hg19) VCF-style: chr11-32456511-AGCC-CGGG.
Other names: c.393_396delinsCCCG, p.Ala132Pro (NM_000378.6, NM_001407044.1, NM_001407045.1 and 6 more transcripts); c.174_177delinsCCCG, p.Ala59Pro (NM_001429031.1, NM_001429032.1, NM_001429033.1 and 1 more transcripts); short protein forms A127P, A132P, A59P.
Identifiers: ClinVar variation 4202233 (VCV004202233.1).